The following is an entry in ClinVar:

NM_032536.4(NTNG2):c.1582C>T (p.Leu528=)

Gene: NTNG2 (netrin G2; plus strand). Cytogenetic location: 9q34.13.
Variant type: single nucleotide variant.
Coding change: c.1582C>T on transcript NM_032536.4 (MANE Select); coding-DNA position 1582, C replaced by T.
Protein change: p.Leu528=; no amino-acid change (leucine 528 retained).
Molecular consequence: synonymous variant.
Genome position (GRCh38, 1-based): chr9:132,242,100, C>T. VCF-style: chr9-132242100-C-T. GRCh37 (hg19) VCF-style: chr9-135117487-C-T.
Identifiers: ClinVar variation 3027091 (VCV003027091.22), dbSNP rs2538786097, ClinGen allele CA467427780.

ClinVar aggregate classification (germline): Likely benign (1 of 4 stars; one submission).

Submission:

CeGaT Center for Human Genetics Tuebingen
Classification: Likely benign. Last evaluated: 2024-02-01. Review status: criteria provided, single submitter. Criteria: CeGaT Center For Human Genetics Tuebingen Variant Classification Criteria Version 2. Collection method: clinical testing. Allele origin: germline. Affected: yes. Observed: 1 variant allele.
Comment: NTNG2: PM2:Supporting, BP4, BP7